The following is an entry in ClinVar:

ClinVar aggregate classification (germline): Uncertain significance (1 of 4 stars; one submission).

Conditions:
Fanconi anemia complementation group J. Also called: BRIP1-Related Fanconi Anemia. Identifiers: Orphanet 84, MedGen C1836860, MONDO:0012187, OMIM 609054.
Familial cancer of breast. Also called: BREAST CANCER, FAMILIAL; hereditary breast carcinoma; Hereditary breast cancer. Identifiers: Orphanet 227535, MedGen C0346153, MONDO:0016419, OMIM 114480. Disease mechanism: loss of function.

Submission:

Labcorp Genetics (formerly Invitae), Labcorp
Classification: Uncertain significance for Familial cancer of breast; Fanconi anemia complementation group J. Last evaluated: 2024-07-02. Review status: criteria provided, single submitter. Criteria: Invitae Variant Classification Sherloc (09022015). Collection method: clinical testing. Allele origin: germline.
Comment: This sequence change replaces glutamic acid, which is acidic and polar, with glycine, which is neutral and non-polar, at codon 200 of the BRIP1 protein (p.Glu200Gly). This variant is not present in population databases (gnomAD no frequency). This variant has not been reported in the literature in individuals affected with BRIP1-related conditions. ClinVar contains an entry for this variant (Variation ID: 461174). Advanced modeling of protein sequence and biophysical properties (such as structural, functional, and spatial information, amino acid conservation, physicochemical variation, residue mobility, and thermodynamic stability) performed at Invitae indicates that this missense variant is not expected to disrupt BRIP1 protein function with a negative predictive value of 80%. In summary, the available evidence is currently insufficient to determine the role of this variant in disease. Therefore, it has been classified as a Variant of Uncertain Significance.

NM_032043.3(BRIP1):c.599A>G (p.Glu200Gly)

Gene: BRIP1 (BRCA1 interacting DNA helicase 1; minus strand). Cytogenetic location: 17q23.2.
Variant type: single nucleotide variant.
Coding change: c.599A>G on transcript NM_032043.3 (MANE Select); coding-DNA position 599, A replaced by G.
Protein change: p.Glu200Gly; replaces glutamic acid 200 with glycine.
Molecular consequence: missense variant.
Genome position (GRCh38, 1-based): chr17:61,847,129, T>C on the plus strand (A>G on the coding strand, the complement: BRIP1 is on the minus strand). VCF-style: chr17-61847129-T-C. GRCh37 (hg19) VCF-style: chr17-59924490-T-C.
Other names: short protein forms E200G.
Identifiers: ClinVar variation 461174 (VCV000461174.11), dbSNP rs1555615732, ClinGen allele CA400482913.